The following is an entry in ClinVar:

NC_000011.10:g.47335033G>A

Gene: MYBPC3 (myosin binding protein C3; minus strand). Cytogenetic location: 11p11.2.
Variant type: single nucleotide variant.
Genome position: GRCh38 VCF-style: chr11-47335033-G-A. GRCh37 (hg19) VCF-style: chr11-47356584-G-A.
Other names: c.2905+9C>T (LRG_386t1, NM_000256.3).
Identifiers: ClinVar variation 381088 (VCV000381088.4), dbSNP rs1057520951, ClinGen allele CA16606314.

ClinVar aggregate classification (germline): Likely benign. Review status: criteria provided, multiple submitters, no conflicts (2 of 4 stars). 2 submissions from 2 submitters: Likely benign (2). Last evaluated 2025-06-29.

Conditions:
Hypertrophic cardiomyopathy. Also called: HYPERTROPHIC MYOCARDIOPATHY. Identifiers: Orphanet 217569, MedGen C0007194, MeSH D002312, MONDO:0005045, HP:0001639.

Submissions (2):

Labcorp Genetics (formerly Invitae), Labcorp
Classification: Likely benign for Hypertrophic cardiomyopathy. Last evaluated: 2025-06-29. Review status: criteria provided, single submitter. Criteria: Invitae Variant Classification Sherloc (09022015). Collection method: clinical testing. Allele origin: germline.

GeneDx
Classification: Likely benign. Last evaluated: 2015-10-13. Review status: criteria provided, single submitter. Criteria: GeneDx Variant Classification (06012015). Collection method: clinical testing. Allele origin: germline. Affected: yes.
Comment: This variant is considered likely benign or benign based on one or more of the following criteria: it is a conservative change, it occurs at a poorly conserved position in the protein, it is predicted to be benign by multiple in silico algorithms, and/or has population frequency not consistent with disease.